The following is an entry in ClinVar:

NM_144997.7(FLCN):c.167G>A (p.Ser56Asn)

Gene: FLCN (folliculin; minus strand). Cytogenetic location: 17p11.2.
Variant type: single nucleotide variant.
Coding change: c.167G>A on transcript NM_144997.7 (MANE Select); coding-DNA position 167, G replaced by A.
Protein change: p.Ser56Asn; replaces serine 56 with asparagine.
Molecular consequence: missense variant.
Genome position (GRCh38, 1-based): chr17:17,227,971, C>T on the plus strand (G>A on the coding strand, the complement: FLCN is on the minus strand). VCF-style: chr17-17227971-C-T. GRCh37 (hg19) VCF-style: chr17-17131285-C-T.
Other names: c.167G>A, p.Ser56Asn (NM_001353229.2, NM_001353230.2, NM_001353231.2 and 1 more transcripts); short protein forms S56N.
Identifiers: ClinVar variation 1511016 (VCV001511016.12), dbSNP rs2047307172, ClinGen allele CA398535183.

ClinVar aggregate classification (germline): Uncertain significance. Review status: criteria provided, multiple submitters, no conflicts (2 of 4 stars). 3 submissions from 3 submitters: Uncertain significance (3). Last evaluated 2024-12-29.

Conditions:
Birt-Hogg-Dube syndrome. Also called: Birt Hogg Dubé syndrome. Identifiers: Orphanet 122, MedGen C0346010, MONDO:0800444.
Hereditary cancer-predisposing syndrome. Also called: Neoplastic Syndromes, Hereditary; Hereditary Cancer Syndrome; Tumor predisposition; Hereditary neoplastic syndrome. Identifiers: Orphanet 140162, MedGen C0027672, MeSH D009386, MONDO:0015356.

Submissions (3):

Labcorp Genetics (formerly Invitae), Labcorp
Classification: Uncertain significance for Birt-Hogg-Dube syndrome. Last evaluated: 2024-12-29. Review status: criteria provided, single submitter. Criteria: Invitae Variant Classification Sherloc (09022015). Collection method: clinical testing. Allele origin: germline.
Comment: This sequence change replaces serine, which is neutral and polar, with asparagine, which is neutral and polar, at codon 56 of the FLCN protein (p.Ser56Asn). This variant is not present in population databases (gnomAD no frequency). This variant has not been reported in the literature in individuals affected with FLCN-related conditions. ClinVar contains an entry for this variant (Variation ID: 1511016). An algorithm developed to predict the effect of missense changes on protein structure and function (PolyPhen-2) suggests that this variant is likely to be tolerated. In summary, the available evidence is currently insufficient to determine the role of this variant in disease. Therefore, it has been classified as a Variant of Uncertain Significance.

GeneDx
Classification: Uncertain significance. Last evaluated: 2023-12-06. Review status: criteria provided, single submitter. Criteria: GeneDx Variant Classification Process June 2021. Collection method: clinical testing. Allele origin: germline. Affected: yes.
Comment: Not observed at significant frequency in large population cohorts (gnomAD); In silico analysis supports that this missense variant does not alter protein structure/function; Has not been previously published as pathogenic or benign to our knowledge

Ambry Genetics
Classification: Uncertain significance for Hereditary cancer-predisposing syndrome. Last evaluated: 2022-10-07. Review status: criteria provided, single submitter. Criteria: Ambry Variant Classification Scheme 2023. Collection method: clinical testing. Allele origin: germline.
Comment: The p.S56N variant (also known as c.167G>A), located in coding exon 1 of the FLCN gene, results from a G to A substitution at nucleotide position 167. The serine at codon 56 is replaced by asparagine, an amino acid with highly similar properties. This amino acid position is conserved. In addition, this alteration is predicted to be tolerated by in silico analysis. Since supporting evidence is limited at this time, the clinical significance of this alteration remains unclear.